The following is an entry in ClinVar:

ClinVar aggregate classification (germline): Uncertain significance (1 of 4 stars; one submission).

gnomAD v4.1: 10 of 1,602,314 alleles (0.00062%); highest among the groups gnomAD compares: Non-Finnish European, 0.00085%; no homozygotes.

Submission:

Labcorp Genetics (formerly Invitae), Labcorp
Classification: Uncertain significance. Last evaluated: 2022-09-06. Review status: criteria provided, single submitter. Criteria: Invitae Variant Classification Sherloc (09022015). Collection method: clinical testing. Allele origin: germline.
Comment: This variant has not been reported in the literature in individuals affected with RASA2-related conditions. In summary, the available evidence is currently insufficient to determine the role of this variant in disease. Therefore, it has been classified as a Variant of Uncertain Significance. Algorithms developed to predict the effect of missense changes on protein structure and function are either unavailable or do not agree on the potential impact of this missense change (SIFT: "Tolerated"; PolyPhen-2: "Probably Damaging"; Align-GVGD: "Class C0"). ClinVar contains an entry for this variant (Variation ID: 1505608). This variant is not present in population databases (gnomAD no frequency). This sequence change replaces tyrosine, which is neutral and polar, with histidine, which is basic and polar, at codon 289 of the RASA2 protein (p.Tyr289His).

NM_006506.5(RASA2):c.865T>C (p.Tyr289His)

Gene: RASA2 (RAS p21 protein activator 2; plus strand). Cytogenetic location: 3q23.
Variant type: single nucleotide variant.
Coding change: c.865T>C on transcript NM_006506.5 (MANE Select); coding-DNA position 865, T replaced by C.
Protein change: p.Tyr289His; replaces tyrosine 289 with histidine.
Molecular consequence: missense variant.
Genome position (GRCh38, 1-based): chr3:141,570,913, T>C. VCF-style: chr3-141570913-T-C. GRCh37 (hg19) VCF-style: chr3-141289755-T-C.
Other names: c.865T>C, p.Tyr289His (NM_001303246.3, NM_001303245.3); short protein forms Y289H.
Identifiers: ClinVar variation 1505608 (VCV001505608.8), dbSNP rs2151129137, ClinGen allele CA354774780.
Genomic context (GRCh38, chr3:141,570,913, plus strand): 5'-TTGCCTCATTGGCTTGAATGCATTTCCATCACATGGAATCACTTATATTTTTACTTTAGG[T>C]ACTTGCTACAGCCAAGAGACAATGGAAACAAGTCATCCAAAACTGATGACCTGGGGTCTC-3'
Protein context (NP_006497.2, residues 279-299): LRTDSSHQAW[Tyr289His]LLQPRDNGNK